The following is an entry in ClinVar:

ClinVar aggregate classification (germline): Pathogenic/Likely pathogenic. Review status: criteria provided, multiple submitters, no conflicts (2 of 4 stars). 4 submissions from 4 submitters: Pathogenic (3); Likely pathogenic (1). Last evaluated 2025-04-22.

Conditions:
Hereditary cancer-predisposing syndrome. Also called: Neoplastic Syndromes, Hereditary; Hereditary Cancer Syndrome; Tumor predisposition; Hereditary neoplastic syndrome. Identifiers: Orphanet 140162, MedGen C0027672, MeSH D009386, MONDO:0015356.
Fanconi anemia complementation group J. Also called: BRIP1-Related Fanconi Anemia. Identifiers: Orphanet 84, MedGen C1836860, MONDO:0012187, OMIM 609054.
Familial cancer of breast. Also called: hereditary breast carcinoma; Hereditary breast cancer; BREAST CANCER, FAMILIAL. Identifiers: Orphanet 227535, MedGen C0346153, MONDO:0016419, OMIM 114480. Disease mechanism: loss of function.
BRIP1-related disorder. Also called: BRIP1-related condition; BRIP1-related disorders. Identifiers: MedGen CN239206.

Submissions (4):

Ambry Genetics
Classification: Pathogenic for Hereditary cancer-predisposing syndrome. Last evaluated: 2025-04-22. Review status: criteria provided, single submitter. Criteria: Ambry Variant Classification Scheme 2023. Collection method: clinical testing. Allele origin: germline.
Comment: The c.576delT pathogenic mutation, located in coding exon 5 of the BRIP1 gene, results from a deletion of one nucleotide at nucleotide position 576, causing a translational frameshift with a predicted alternate stop codon (p.V193*). This variant is considered to be rare based on population cohorts in the Genome Aggregation Database (gnomAD). This alteration is expected to result in loss of function by premature protein truncation or nonsense-mediated mRNA decay. As such, this alteration is interpreted as a disease-causing mutation.

Myriad Genetics, Inc.
Classification: Pathogenic for Familial cancer of breast. Last evaluated: 2023-05-31. Review status: criteria provided, single submitter. Criteria: Myriad Autosomal Dominant, Autosomal Recessive and X-Linked Classification Criteria (2023). Collection method: clinical testing. Allele origin: unknown.
Comment: This variant is considered pathogenic. This variant creates a termination codon and is predicted to result in premature protein truncation.

Labcorp Genetics (formerly Invitae), Labcorp
Classification: Pathogenic for Familial cancer of breast; Fanconi anemia complementation group J. Last evaluated: 2022-12-16. Review status: criteria provided, single submitter. Criteria: Invitae Variant Classification Sherloc (09022015). Collection method: clinical testing. Allele origin: germline.
Comment: For these reasons, this variant has been classified as Pathogenic. ClinVar contains an entry for this variant (Variation ID: 233976). This variant has not been reported in the literature in individuals affected with BRIP1-related conditions. This variant is not present in population databases (gnomAD no frequency). This sequence change creates a premature translational stop signal (p.Val193*) in the BRIP1 gene. It is expected to result in an absent or disrupted protein product. Loss-of-function variants in BRIP1 are known to be pathogenic (PMID: 16116423, 17033622, 21964575).

Blueprint Genetics
Classification: Likely pathogenic for BRIP1-related disorders. Last evaluated: 2022-07-17. Review status: criteria provided, single submitter. Criteria: ACMG Guidelines, 2015. Collection method: clinical testing. Allele origin: germline. Affected: yes. Observed: 1 variant allele.

Literature cited by the submitters: PubMed 16116423 (cited by Labcorp Genetics (formerly Invitae), Labcorp); PubMed 17033622 (cited by Labcorp Genetics (formerly Invitae), Labcorp); PubMed 21964575 (cited by Labcorp Genetics (formerly Invitae), Labcorp).

NM_032043.3(BRIP1):c.576del (p.Thr192_Val193insTer)

Gene: BRIP1 (BRCA1 interacting DNA helicase 1; minus strand). Cytogenetic location: 17q23.2.
Variant type: Deletion.
Coding change: c.576del on transcript NM_032043.3 (MANE Select); coding-DNA position 576, one base deleted (T; older notation c.576delT).
Protein change: p.Thr192_Val193insTer.
Molecular consequence: frameshift variant.
Genome position (GRCh38, 1-based): chr17:61,847,152, A deleted on the plus strand (T on the coding strand, the reverse complement: BRIP1 is on the minus strand). VCF-style (leftmost placement, unchanged base first): chr17-61847151-CA-C. GRCh37 (hg19) VCF-style: chr17-59924512-CA-C.
Other names: c.576delT (NM_032043.2).
Identifiers: ClinVar variation 233976 (VCV000233976.18), dbSNP rs876660769, ClinGen allele CA10580869.